The following is an entry in ClinVar:

NM_198282.4(STING1):c.134G>A (p.Arg45Gln)

Gene: STING1 (stimulator of interferon response cGAMP interactor 1; minus strand). Cytogenetic location: 5q31.2.
Variant type: single nucleotide variant.
Coding change: c.134G>A on transcript NM_198282.4 (MANE Select); coding-DNA position 134, G replaced by A.
Protein change: p.Arg45Gln; replaces arginine 45 with glutamine.
Molecular consequence: missense variant. On other transcripts: intron variant (1).
Genome position (GRCh38, 1-based): chr5:139,481,571, C>T on the plus strand (G>A on the coding strand, the complement: STING1 is on the minus strand). VCF-style: chr5-139481571-C-T. GRCh37 (hg19) VCF-style: chr5-138861156-C-T.
Other names: c.134G>A, p.Arg45Gln (NM_001301738.2); c.-130-229G>A (NM_001367258.1); short protein forms R45Q.
Identifiers: ClinVar variation 851661 (VCV000851661.12), dbSNP rs762935025, ClinGen allele CA3435497.
Genomic context (GRCh38, chr5:139,481,571, plus strand): 5'-CTGCAGACCCCGTTTAACAGCAGTCCCAGCTGCAGGGAGGCTAGGTGGAGCACCAGGTAC[C>T]GGAGAGTGTGCTCTGGTGGCTCTCCTAGCCCCCAAAGGGTCACCAGGCAGGCACTCAGCA-3'
Protein context (NP_938023.1, residues 35-55): GLGEPPEHTL[Arg45Gln]YLVLHLASLQ

ClinVar aggregate classification (germline): Uncertain significance (1 of 4 stars; one submission).

Conditions:
STING-associated vasculopathy with onset in infancy. Also called: Sting-associated vasculopathy, infantile-onset. Identifiers: Orphanet 425120, MedGen C4014722, MONDO:0014405, OMIM 615934.

Allele frequency attached by ClinVar (database versions not stated): ExAC 0.00001; gnomAD 0.00002; gnomAD exomes 0.00004 and 0.00001; TOPMed 0.00001.
gnomAD v4.1: 59 of 1,613,756 alleles (0.0037%); highest among the groups gnomAD compares: African/African-American, 0.0053%; no homozygotes.

Submission:

Labcorp Genetics (formerly Invitae), Labcorp
Classification: Uncertain significance for STING-associated vasculopathy with onset in infancy. Last evaluated: 2025-12-29. Review status: criteria provided, single submitter. Criteria: Invitae Variant Classification Sherloc (09022015). Collection method: clinical testing. Allele origin: germline.
Comment: This sequence change replaces arginine, which is basic and polar, with glutamine, which is neutral and polar, at codon 45 of the TMEM173 protein (p.Arg45Gln). This variant is present in population databases (rs762935025, gnomAD 0.01%). This variant has not been reported in the literature in individuals affected with TMEM173-related conditions. ClinVar contains an entry for this variant (Variation ID: 851661). Invitae Evidence Modeling of protein sequence and biophysical properties (such as structural, functional, and spatial information, amino acid conservation, physicochemical variation, residue mobility, and thermodynamic stability) indicates that this missense variant is not expected to disrupt TMEM173 protein function with a negative predictive value of 80%. In summary, the available evidence is currently insufficient to determine the role of this variant in disease. Therefore, it has been classified as a Variant of Uncertain Significance.